The following is an entry in ClinVar:

NM_000535.7(PMS2):c.1269C>T (p.Ala423=)

Gene: PMS2 (PMS1 homolog 2, mismatch repair system component; minus strand). Cytogenetic location: 7p22.1.
Variant type: single nucleotide variant.
Coding change: c.1269C>T on transcript NM_000535.7 (MANE Select); coding-DNA position 1269, C replaced by T.
Protein change: p.Ala423=; no amino-acid change (alanine 423 retained).
Molecular consequence: synonymous variant. On other transcripts: non-coding transcript variant (1).
Genome position (GRCh38, 1-based): chr7:5,987,496, G>A on the plus strand (C>T on the coding strand, the complement: PMS2 is on the minus strand). VCF-style: chr7-5987496-G-A. GRCh37 (hg19) VCF-style: chr7-6027127-G-A.
Other names: c.864C>T, p.Ala288= (NM_001322003.2, NM_001322004.2, NM_001322005.2 and 1 more transcripts); c.1113C>T, p.Ala371= (NM_001322006.2); c.951C>T, p.Ala317= (NM_001322007.2, NM_001322008.2); c.708C>T, p.Ala236= (NM_001322010.2); c.336C>T, p.Ala112= (NM_001322011.2, NM_001322012.2); c.696C>T, p.Ala232= (NM_001322013.2); c.1269C>T, p.Ala423= (NM_001322014.2); c.960C>T, p.Ala320= (NM_001322015.2).
Identifiers: ClinVar variation 818759 (VCV000818759.14), dbSNP rs921253631, ClinGen allele CA453748071.

ClinVar aggregate classification (germline): Benign/Likely benign. Review status: criteria provided, multiple submitters, no conflicts (2 of 4 stars). 4 submissions from 4 submitters: Benign (1); Likely benign (3). Last evaluated 2025-12-28.

Conditions:
Hereditary nonpolyposis colorectal neoplasms. Identifiers: MedGen C0009405, MeSH D003123.
Lynch syndrome 4 (LYNCH4). Also called: Hereditary non-polyposis colorectal cancer, type 4; Colorectal cancer, hereditary nonpolyposis, type 4. Identifiers: Orphanet 144, MedGen C1838333, MONDO:0013699, OMIM 614337. Disease mechanism: loss of function.
Hereditary cancer-predisposing syndrome. Also called: Tumor predisposition; Hereditary neoplastic syndrome; Neoplastic Syndromes, Hereditary; Hereditary Cancer Syndrome. Identifiers: Orphanet 140162, MedGen C0027672, MeSH D009386, MONDO:0015356.

Submissions (4):

Labcorp Genetics (formerly Invitae), Labcorp
Classification: Likely benign for Hereditary nonpolyposis colorectal neoplasms. Last evaluated: 2025-12-28. Review status: criteria provided, single submitter. Criteria: Invitae Variant Classification Sherloc (09022015). Collection method: clinical testing. Allele origin: germline.

Color Diagnostics, LLC DBA Color Health
Classification: Likely benign for Hereditary cancer-predisposing syndrome. Last evaluated: 2025-06-23. Review status: criteria provided, single submitter. Criteria: ACMG Guidelines, 2015. Collection method: clinical testing. Allele origin: germline.

Myriad Genetics, Inc.
Classification: Benign for Lynch syndrome 4. Last evaluated: 2025-01-30. Review status: criteria provided, single submitter. Criteria: Myriad Autosomal Dominant, Autosomal Recessive and X-Linked Classification Criteria (2023). Collection method: clinical testing. Allele origin: unknown.
Comment: This variant is considered benign. This variant is a silent/synonymous amino acid change and it is not expected to impact splicing.

Ambry Genetics
Classification: Likely benign for Hereditary cancer-predisposing syndrome. Last evaluated: 2018-03-06. Review status: criteria provided, single submitter. Criteria: Ambry Variant Classification Scheme 2023. Collection method: clinical testing. Allele origin: germline.